The following is an entry in ClinVar:

ClinVar aggregate classification (germline): Uncertain significance (1 of 4 stars; one submission).

Conditions:
Early-onset Lafora body disease. Also called: Epilepsy, progressive myoclonic, 10. Identifiers: Orphanet 324290, MedGen C4225258, MONDO:0014717, OMIM 616640.

Allele frequency attached by ClinVar (database versions not stated): gnomAD exomes below 0.00001; gnomAD 0.00001; 1000 Genomes Project 30x 0.00016.
gnomAD v4.1: 2 of 1,534,078 alleles (0.00013%); highest among the groups gnomAD compares: African/African-American, 0.0027%; no homozygotes.

Submission:

Labcorp Genetics (formerly Invitae), Labcorp
Classification: Uncertain significance for Early-onset Lafora body disease. Last evaluated: 2020-11-07. Review status: criteria provided, single submitter. Criteria: Invitae Variant Classification Sherloc (09022015). Collection method: clinical testing. Allele origin: germline.
Comment: In summary, the available evidence is currently insufficient to determine the role of this variant in disease. Therefore, it has been classified as a Variant of Uncertain Significance. Algorithms developed to predict the effect of missense changes on protein structure and function are either unavailable or do not agree on the potential impact of this missense change (SIFT: "Deleterious"; PolyPhen-2: "Probably Damaging"; Align-GVGD: "Class C0"). This variant has not been reported in the literature in individuals with PRDM8-related conditions. The frequency data for this variant in the population databases is considered unreliable, as metrics indicate insufficient coverage at this position in the ExAC database. This sequence change replaces leucine with proline at codon 370 of the PRDM8 protein (p.Leu370Pro). The leucine residue is moderately conserved and there is a moderate physicochemical difference between leucine and proline.

NM_001099403.2(PRDM8):c.1109T>C (p.Leu370Pro)

Gene: PRDM8 (PR/SET domain 8; plus strand). Cytogenetic location: 4q21.21.
Variant type: single nucleotide variant.
Coding change: c.1109T>C on transcript NM_001099403.2 (MANE Select); coding-DNA position 1109, T replaced by C.
Protein change: p.Leu370Pro; replaces leucine 370 with proline.
Molecular consequence: missense variant.
Genome position (GRCh38, 1-based): chr4:80,202,571, T>C. VCF-style: chr4-80202571-T-C. GRCh37 (hg19) VCF-style: chr4-81123725-T-C.
Other names: c.1109T>C, p.Leu370Pro (NM_020226.4); short protein forms L370P.
Identifiers: ClinVar variation 1497391 (VCV001497391.8), dbSNP rs1449739343, ClinGen allele CA357398303.